The following is an entry in ClinVar:

NM_014946.4(SPAST):c.1322-1G>A

Gene: SPAST (spastin; plus strand). Cytogenetic location: 2p22.3.
Variant type: single nucleotide variant.
Coding change: c.1322-1G>A on transcript NM_014946.4 (MANE Select); the canonical splice acceptor site of the intron before coding-DNA position 1322, G replaced by A.
Molecular consequence: splice acceptor variant.
Genome position (GRCh38, 1-based): chr2:32,136,876, G>A. VCF-style: chr2-32136876-G-A. GRCh37 (hg19) VCF-style: chr2-32361945-G-A.
Other names: c.1226-1G>A (NM_199436.2, NM_001377959.1); c.1319-1G>A (NM_001363823.2); c.1223-1G>A (NM_001363875.2).
Identifiers: ClinVar variation 1191560 (VCV001191560.3), dbSNP rs1365753930, ClinGen allele CA346502154.

ClinVar aggregate classification (germline): Pathogenic. Review status: criteria provided, multiple submitters, no conflicts (2 of 4 stars). 2 submissions from 2 submitters: Pathogenic (2). Last evaluated 2025-05-29.

Conditions:
Hereditary spastic paraplegia 4. Also called: Spastic paraplegia 4, autosomal dominant; Spastic Paraplegia 4; Familial spastic paraplegia autosomal dominant 2. Identifiers: Orphanet 100985, MedGen C1866855, MONDO:0008438, OMIM 182601.

Submissions (2):

3billion
Classification: Pathogenic for Hereditary spastic paraplegia 4. Last evaluated: 2025-05-29. Review status: criteria provided, single submitter. Criteria: ACMG Guidelines, 2015. Collection method: clinical testing. Allele origin: germline. Affected: yes.
Comment: The variant is not observed in the gnomAD v4.1.0 dataset. Predicted Consequence/Location: Canonical splice site: predicted to alter splicing and result in a loss or disruption of normal protein function. Multiple pathogenic loss-of-function variants are reported downstream of the variant. In silico tools predict the variant to alter splicing and produce an abnormal transcript [SpliceAI: 0.98 (spliceogenicity >=0.2, non-spliceogenicity <0.1)]. The variant has been reported to be associated with SPAST-related disorder (ClinVar ID: VCV001191560 /PMID: 25341883). Therefore, this variant is classified as Pathogenic according to the recommendation of ACMG/AMP guideline.

GeneDx
Classification: Pathogenic. Last evaluated: 2020-01-15. Review status: criteria provided, single submitter. Criteria: GeneDx Variant Classification Process June 2021. Collection method: clinical testing. Allele origin: germline. Affected: yes.
Comment: Canonical splice site variant in a gene for which loss-of-function is a known mechanism of disease; Not observed in large population cohorts (Lek et al., 2016); Reported in individual with spastic paraplegia (Luo et al., 2014); This variant is associated with the following publications: (PMID: 29980238, 25341883)

Literature cited by the submitters: PubMed 25341883 (cited by 3billion).